The following is an entry in ClinVar:

ClinVar aggregate classification (germline): Uncertain significance. Review status: criteria provided, multiple submitters, no conflicts (2 of 4 stars). 2 submissions from 2 submitters: Uncertain significance (2). Last evaluated 2025-10-01.

Conditions:
SLC51A-related disorder. Also called: SLC51A-related condition.

Submissions (2):

Ambry Genetics
Classification: Uncertain significance. Last evaluated: 2025-10-01. Review status: criteria provided, single submitter. Criteria: Ambry Variant Classification Scheme 2023. Collection method: clinical testing. Allele origin: germline.

PreventionGenetics, part of Exact Sciences
Classification: Uncertain significance for SLC51A-related condition. Last evaluated: 2025-04-09. Review status: criteria provided, single submitter. Criteria: ACMG Guidelines, 2015. Collection method: clinical testing. Allele origin: germline.
Comment: The SLC51A c.256C>T variant is predicted to result in the amino acid substitution p.Arg86Trp. To our knowledge, this variant has not been reported in the literature. This variant is reported in 0.0062% of alleles in individuals of African descent in gnomAD. At this time, the clinical significance of this variant is uncertain due to the absence of conclusive functional and genetic evidence.

NM_152672.6(SLC51A):c.256C>T (p.Arg86Trp)

Gene: SLC51A (solute carrier family 51 member A; plus strand). Cytogenetic location: 3q29.
Variant type: single nucleotide variant.
Coding change: c.256C>T on transcript NM_152672.6 (MANE Select); coding-DNA position 256, C replaced by T.
Protein change: p.Arg86Trp; replaces arginine 86 with tryptophan.
Molecular consequence: missense variant.
Genome position (GRCh38, 1-based): chr3:196,227,087, C>T. VCF-style: chr3-196227087-C-T. GRCh37 (hg19) VCF-style: chr3-195953958-C-T.
Other names: short protein forms R86W.
Identifiers: ClinVar variation 4586035 (VCV004586035.2).